The following is an entry in ClinVar:

NM_014846.4(WASHC5):c.1281G>C (p.Met427Ile)

Gene: WASHC5 (WASH complex subunit 5; minus strand). Cytogenetic location: 8q24.13.
Variant type: single nucleotide variant.
Coding change: c.1281G>C on transcript NM_014846.4 (MANE Select); coding-DNA position 1281, G replaced by C.
Protein change: p.Met427Ile; replaces methionine 427 with isoleucine.
Molecular consequence: missense variant.
Genome position (GRCh38, 1-based): chr8:125,063,649, C>G on the plus strand (G>C on the coding strand, the complement: WASHC5 is on the minus strand). VCF-style: chr8-125063649-C-G. GRCh37 (hg19) VCF-style: chr8-126075891-C-G.
Other names: c.837G>C, p.Met279Ile (NM_001330609.2); short protein forms M279I, M427I.
Identifiers: ClinVar variation 4840063 (VCV004840063.1).
Genomic context (GRCh38, chr8:125,063,649, plus strand): 5'-CGAACCCTCTTTCTTGTAATGCTCCCATTTGGTTTGCTTTTCTGAAAGCATTTGCTTGAA[C>G]ATCTGTTGAAGCAACAGAAAATATTTATTTACTTAAGAGAAAAATCCAGACTAGGCAGCT-3'
Protein context (NP_055661.3, residues 417-437): TAQFEFILKE[Met427Ile]FKQMLSEKQT

ClinVar aggregate classification (germline): Uncertain significance (1 of 4 stars; one submission).

Conditions:
Inborn genetic diseases. Identifiers: MedGen C0950123, MeSH D030342.

gnomAD v4.1: 19 of 1,613,626 alleles (0.0012%); highest among the groups gnomAD compares: Non-Finnish European, 0.0016%; no homozygotes.

Submission:

Ambry Genetics
Classification: Uncertain significance for Inborn genetic diseases. Last evaluated: 2026-02-17. Review status: criteria provided, single submitter. Criteria: Ambry Variant Classification Scheme 2023. Collection method: clinical testing. Allele origin: germline.
Comment: The c.1281G>C (p.M427I) alteration is located in exon 11 (coding exon 10) of the WASHC5 gene. This alteration results from a G to C substitution at nucleotide position 1281, causing the methionine (M) at amino acid position 427 to be replaced by an isoleucine (I). Based on data from gnomAD, the C allele has an overall frequency of <0.001% (1/251240) total alleles studied. The highest observed frequency was 0.001% (1/113596) of European (non-Finnish) alleles. Based on insufficient or conflicting evidence, the clinical significance of this alteration remains unclear.